The following is an entry in ClinVar:

NM_018699.4(PRDM5):c.865+1G>A

Gene: PRDM5 (PR/SET domain 5; minus strand). Cytogenetic location: 4q27.
Variant type: single nucleotide variant.
Coding change: c.865+1G>A on transcript NM_018699.4 (MANE Select); the canonical splice donor site of the intron after coding-DNA position 865, G replaced by A.
Molecular consequence: splice donor variant.
Genome position (GRCh38, 1-based): chr4:120,816,452, C>T on the plus strand (G>A on the coding strand, the complement: PRDM5 is on the minus strand). VCF-style: chr4-120816452-C-T. GRCh37 (hg19) VCF-style: chr4-121737607-C-T.
Other names: c.772+1G>A (NM_001300824.2, NM_001379106.1, NM_001300823.2); c.865+1G>A (NM_001379104.1).
Identifiers: ClinVar variation 2801904 (VCV002801904.5), dbSNP rs2477938090, ClinGen allele CA358207364.
Genomic context (GRCh38, chr4:120,816,452, plus strand): 5'-AGATCGCTGCAGCCTGGGGAAAGGAAGCCCCTTCGGAAACGACCCTCCAACGACTCCTCA[C>T]CAGTGTGGACATTTTCCTGGTGTCTTTTCAGGGCATCCTTGCTCTTCAGCCTCTTTCCAC-3'

ClinVar aggregate classification (germline): Likely pathogenic. Review status: criteria provided, multiple submitters, no conflicts (2 of 4 stars). 3 submissions from 3 submitters: Likely pathogenic (3). Last evaluated 2025-05-23.

Conditions:
Brittle cornea syndrome 2 (BCS2). Identifiers: Orphanet 90354, MedGen C3280011, MONDO:0013605, OMIM 614170.

Submissions (3):

Women's Health and Genetics/Laboratory Corporation of America, LabCorp
Classification: Likely pathogenic for Brittle cornea syndrome 2. Last evaluated: 2025-05-23. Review status: criteria provided, single submitter. Criteria: LabCorp Variant Classification Summary - May 2015. Collection method: clinical testing. Allele origin: germline.
Comment: Variant summary: PRDM5 c.865+1G>A is located in a canonical splice-site and is predicted to affect mRNA splicing resulting in a significantly altered protein due to either exon skipping, shortening, or inclusion of intronic material. Variants that disrupt the consensus splice site are a relatively common cause of aberrant splicing and loss of PRDM5 function. Several computational tools predict a significant impact on normal splicing: Four predict the variant abolishes a canonical 5' splicing donor site. However, these predictions have yet to be confirmed by functional studies. The variant was absent in 251330 control chromosomes. To our knowledge, no occurrence of c.865+1G>A in individuals affected with Brittle cornea syndrome 2 and no experimental evidence demonstrating its impact on protein function have been reported. ClinVar contains an entry for this variant (Variation ID: 2801904). Based on the evidence outlined above, the variant was classified as likely pathogenic.

Fulgent Genetics
Classification: Likely pathogenic for Brittle cornea syndrome 2. Last evaluated: 2024-05-07. Review status: criteria provided, single submitter. Criteria: ACMG Guidelines, 2015. Collection method: clinical testing. Allele origin: germline.

Labcorp Genetics (formerly Invitae), Labcorp
Classification: Likely pathogenic. Last evaluated: 2023-06-02. Review status: criteria provided, single submitter. Criteria: Invitae Variant Classification Sherloc (09022015). Collection method: clinical testing. Allele origin: germline.
Comment: In summary, the currently available evidence indicates that the variant is pathogenic, but additional data are needed to prove that conclusively. Therefore, this variant has been classified as Likely Pathogenic. Algorithms developed to predict the effect of sequence changes on RNA splicing suggest that this variant may disrupt the consensus splice site. This variant has not been reported in the literature in individuals affected with PRDM5-related conditions. This variant is not present in population databases (gnomAD no frequency). This sequence change affects a donor splice site in intron 7 of the PRDM5 gene. It is expected to disrupt RNA splicing. Variants that disrupt the donor or acceptor splice site typically lead to a loss of protein function (PMID: 16199547), and loss-of-function variants in PRDM5 are known to be pathogenic (PMID: 21664999, 26395458).

Literature cited by the submitters: PubMed 16199547 (cited by Labcorp Genetics (formerly Invitae), Labcorp); PubMed 21664999 (cited by Labcorp Genetics (formerly Invitae), Labcorp); PubMed 26395458 (cited by Labcorp Genetics (formerly Invitae), Labcorp).